The following is an entry in ClinVar:

NM_014989.7(RIMS1):c.1394A>C (p.Lys465Thr)

Gene: RIMS1 (regulating synaptic membrane exocytosis 1; plus strand). Cytogenetic location: 6q13.
Variant type: single nucleotide variant.
Coding change: c.1394A>C on transcript NM_014989.7 (MANE Select); coding-DNA position 1394, A replaced by C.
Protein change: p.Lys465Thr; replaces lysine 465 with threonine.
Molecular consequence: missense variant.
Genome position (GRCh38, 1-based): chr6:72,182,865, A>C. VCF-style: chr6-72182865-A-C. GRCh37 (hg19) VCF-style: chr6-72892568-A-C.
Other names: short protein forms K465T.
Identifiers: ClinVar variation 2086495 (VCV002086495.4), dbSNP rs2551809190, ClinGen allele CA364821196.
Genomic context (GRCh38, chr6:72,182,865, plus strand): 5'-CGAACCACAGCCCGCCGGCGCCCAGACATGGGCCGGTTCCCGCAGAAGCCCCGGAGCTCA[A>C]AGCCCAGGAGCCCCTCAGGAAGCAGAGCCGCCTGGACCCCAGCTCGGCGGTCCTCATGCG-3'
Protein context (NP_055804.2, residues 455-475): GPVPAEAPEL[Lys465Thr]AQEPLRKQSR

ClinVar aggregate classification (germline): Uncertain significance (1 of 4 stars; one submission).

Submission:

Labcorp Genetics (formerly Invitae), Labcorp
Classification: Uncertain significance. Last evaluated: 2022-08-17. Review status: criteria provided, single submitter. Criteria: Invitae Variant Classification Sherloc (09022015). Collection method: clinical testing. Allele origin: germline.
Comment: This variant has not been reported in the literature in individuals affected with RIMS1-related conditions. This sequence change replaces lysine, which is basic and polar, with threonine, which is neutral and polar, at codon 465 of the RIMS1 protein (p.Lys465Thr). This variant is not present in population databases (gnomAD no frequency). Algorithms developed to predict the effect of missense changes on protein structure and function (SIFT, PolyPhen-2, Align-GVGD) all suggest that this variant is likely to be tolerated. In summary, the available evidence is currently insufficient to determine the role of this variant in disease. Therefore, it has been classified as a Variant of Uncertain Significance.